The following is an entry in ClinVar:

NM_007373.4(SHOC2):c.52G>C (p.Val18Leu)

Gene: SHOC2 (SHOC2 leucine rich repeat scaffold protein; plus strand). Cytogenetic location: 10q25.2.
Variant type: single nucleotide variant.
Coding change: c.52G>C on transcript NM_007373.4 (MANE Select); coding-DNA position 52, G replaced by C.
Protein change: p.Val18Leu; replaces valine 18 with leucine.
Molecular consequence: missense variant.
Genome position (GRCh38, 1-based): chr10:110,964,410, G>C. VCF-style: chr10-110964410-G-C. GRCh37 (hg19) VCF-style: chr10-112724168-G-C.
Other names: c.52G>C, p.Val18Leu (NM_001269039.3, NM_001324336.2, NM_001324337.2); short protein forms V18L.
Identifiers: ClinVar variation 2191116 (VCV002191116.10), dbSNP rs1226932309, ClinGen allele CA378380701.

ClinVar aggregate classification (germline): Uncertain significance. Review status: criteria provided, multiple submitters, no conflicts (2 of 4 stars). 5 submissions from 5 submitters: Uncertain significance (5). Last evaluated 2025-03-12.

Conditions:
Cardiovascular phenotype. Identifiers: MedGen CN230736.
RASopathy. Also called: rasopathies; Noonan spectrum disorder. Identifiers: Orphanet 536391, MedGen C5555857, MONDO:0021060.
Noonan syndrome-like disorder with loose anagen hair 1 (NSLH1). Also called: TOSTI SYNDROME; MAZZANTI SYNDROME. Identifiers: Orphanet 2701, MedGen C4478716, MONDO:0054637, OMIM 607721.
SHOC2-related disorder. Also called: SHOC2-related condition.

Allele frequency attached by ClinVar (database versions not stated): TOPMed 0.00001.
gnomAD v4.1: 2 of 1,613,200 alleles (0.00012%); highest among the groups gnomAD compares: Admixed American, 0.0033%; no homozygotes.

Submissions (5):

Dasa
Classification: Uncertain significance. Last evaluated: 2025-03-12. Review status: criteria provided, single submitter. Criteria: DASA Assertion Criteria. Collection method: clinical testing. Allele origin: germline.
Comment: NM_007373.4(SHOC2):c.52G>C (p.Val18Leu) is a missense variant that results in the substitution of valine with leucine. This variant is rare in population databases. Computational prediction algorithms are consistent with a benign effect. The currently available literature and clinical evidence are not sufficient to establish a definitive association between this variant and the reported condition. Therefore, this variant is classified as a variant of uncertain significance.

Labcorp Genetics (formerly Invitae), Labcorp
Classification: Uncertain significance for RASopathy. Last evaluated: 2024-11-07. Review status: criteria provided, single submitter. Criteria: Invitae Variant Classification Sherloc (09022015). Collection method: clinical testing. Allele origin: germline.
Comment: This sequence change replaces valine, which is neutral and non-polar, with leucine, which is neutral and non-polar, at codon 18 of the SHOC2 protein (p.Val18Leu). This variant is not present in population databases (gnomAD no frequency). This variant has not been reported in the literature in individuals affected with SHOC2-related conditions. ClinVar contains an entry for this variant (Variation ID: 2191116). An algorithm developed to predict the effect of missense changes on protein structure and function (PolyPhen-2) suggests that this variant is likely to be tolerated. In summary, the available evidence is currently insufficient to determine the role of this variant in disease. Therefore, it has been classified as a Variant of Uncertain Significance.

PreventionGenetics, part of Exact Sciences
Classification: Uncertain significance for SHOC2-related condition. Last evaluated: 2023-08-09. Review status: criteria provided, single submitter. Criteria: ACMG Guidelines, 2015. Collection method: clinical testing. Allele origin: germline.
Comment: The SHOC2 c.52G>C variant is predicted to result in the amino acid substitution p.Val18Leu. To our knowledge, this variant has not been reported in the literature or in a large population database, indicating this variant is rare. At this time, the clinical significance of this variant is uncertain due to the absence of conclusive functional and genetic evidence.

Ambry Genetics
Classification: Uncertain significance for Cardiovascular phenotype. Last evaluated: 2023-03-16. Review status: criteria provided, single submitter. Criteria: Ambry Variant Classification Scheme 2023. Collection method: clinical testing. Allele origin: germline.
Comment: The p.V18L variant (also known as c.52G>C), located in coding exon 1 of the SHOC2 gene, results from a G to C substitution at nucleotide position 52. The valine at codon 18 is replaced by leucine, an amino acid with highly similar properties. This amino acid position is conserved. In addition, this alteration is predicted to be tolerated by in silico analysis. Since supporting evidence is limited at this time, the clinical significance of this alteration remains unclear.

Baylor Genetics
Classification: Uncertain significance for Noonan syndrome-like disorder with loose anagen hair 1. Last evaluated: 2021-02-05. Review status: criteria provided, single submitter. Criteria: ACMG Guidelines, 2015. Collection method: clinical testing. Allele origin: unknown.